The following is an entry in ClinVar:

NM_006231.4(POLE):c.5237A>G (p.Asn1746Ser)

Gene: POLE (DNA polymerase epsilon, catalytic subunit; minus strand). Cytogenetic location: 12q24.33.
Variant type: single nucleotide variant.
Coding change: c.5237A>G on transcript NM_006231.4 (MANE Select); coding-DNA position 5237, A replaced by G.
Protein change: p.Asn1746Ser; replaces asparagine 1746 with serine.
Molecular consequence: missense variant.
Genome position (GRCh38, 1-based): chr12:132,641,788, T>C on the plus strand (A>G on the coding strand, the complement: POLE is on the minus strand). VCF-style: chr12-132641788-T-C. GRCh37 (hg19) VCF-style: chr12-133218374-T-C.
Other names: short protein forms N1746S.
Identifiers: ClinVar variation 405804 (VCV000405804.14), dbSNP rs377461656, ClinGen allele CA6892588.

ClinVar aggregate classification (germline): Conflicting classifications of pathogenicity. Review status: criteria provided, conflicting classifications (1 of 4 stars). 4 submissions from 4 submitters: Uncertain significance (3); Likely benign (1). Last evaluated 2026-01-07.

Conditions:
Facial dysmorphism-immunodeficiency-livedo-short stature syndrome. Also called: Facial dysmorphism, immunodeficiency, livedo, and short stature; FILS syndrome. Identifiers: Orphanet 352712, MedGen C3554576, MONDO:0014058, OMIM 615139.
Colorectal cancer, susceptibility to, 12 (CRCS12). Also called: COLORECTAL CANCER, SUSCEPTIBILITY TO, ON CHROMOSOME 12q24. Identifiers: Orphanet 220460, MedGen C3554460, MONDO:0014038, OMIM 615083.
Intrauterine growth retardation, metaphyseal dysplasia, adrenal hypoplasia congenita, genital anomalies, and immunodeficiency. Also called: IMAGEI SYNDROME. Identifiers: MedGen C5193036, MONDO:0032684, OMIM 618336.
Hereditary cancer-predisposing syndrome. Also called: Hereditary Cancer Syndrome; Hereditary neoplastic syndrome; Neoplastic Syndromes, Hereditary; Tumor predisposition. Identifiers: Orphanet 140162, MedGen C0027672, MeSH D009386, MONDO:0015356.

Allele frequency attached by ClinVar (database versions not stated): ExAC 0.00001; TOPMed 0.00004; ESP Exome Variant Server 0.00008.
gnomAD v4.1: 8 of 1,607,302 alleles (0.0005%); highest among the groups gnomAD compares: African/African-American, 0.0067%; no homozygotes.

Submissions (4):

Labcorp Genetics (formerly Invitae), Labcorp
Classification: Uncertain significance. Last evaluated: 2026-01-07. Review status: criteria provided, single submitter. Criteria: Invitae Variant Classification Sherloc (09022015). Collection method: clinical testing. Allele origin: germline.
Comment: This sequence change replaces asparagine, which is neutral and polar, with serine, which is neutral and polar, at codon 1746 of the POLE protein (p.Asn1746Ser). This variant is present in population databases (rs377461656, gnomAD 0.008%). This variant has not been reported in the literature in individuals affected with POLE-related conditions. ClinVar contains an entry for this variant (Variation ID: 405804). Invitae Evidence Modeling of protein sequence and biophysical properties (such as structural, functional, and spatial information, amino acid conservation, physicochemical variation, residue mobility, and thermodynamic stability) indicates that this missense variant is not expected to disrupt POLE protein function with a negative predictive value of 80%. In summary, the available evidence is currently insufficient to determine the role of this variant in disease. Therefore, it has been classified as a Variant of Uncertain Significance.

Ambry Genetics
Classification: Likely benign for Hereditary cancer-predisposing syndrome. Last evaluated: 2025-03-08. Review status: criteria provided, single submitter. Criteria: Ambry Variant Classification Scheme 2023. Collection method: clinical testing. Allele origin: germline.

Department of Pathology and Laboratory Medicine, Sinai Health System
Classification: Uncertain significance for Colorectal cancer, susceptibility to, 12; Facial dysmorphism-immunodeficiency-livedo-short stature syndrome; Intrauterine growth retardation, metaphyseal dysplasia, adrenal hypoplasia congenita, genital anomalies, and immunodeficiency. Last evaluated: 2024-12-02. Review status: criteria provided, single submitter. Criteria: ACMG Guidelines, 2015. Collection method: clinical testing. Allele origin: germline.

GeneDx
Classification: Uncertain significance. Last evaluated: 2023-11-10. Review status: criteria provided, single submitter. Criteria: GeneDx Variant Classification Process June 2021. Collection method: clinical testing. Allele origin: germline. Affected: yes.
Comment: Not observed at significant frequency in large population cohorts (gnomAD); In silico analysis supports that this missense variant does not alter protein structure/function; Has not been previously published as pathogenic or benign to our knowledge